The following is an entry in ClinVar:

ClinVar aggregate classification (germline): Uncertain significance. Review status: criteria provided, multiple submitters, no conflicts (2 of 4 stars). 2 submissions from 2 submitters: Uncertain significance (2). Last evaluated 2026-01-31.

Conditions:
Hereditary nonpolyposis colorectal neoplasms. Identifiers: MedGen C0009405, MeSH D003123.
Hereditary cancer-predisposing syndrome. Also called: Neoplastic Syndromes, Hereditary; Tumor predisposition; Hereditary neoplastic syndrome; Hereditary Cancer Syndrome. Identifiers: Orphanet 140162, MedGen C0027672, MeSH D009386, MONDO:0015356.

Submissions (2):

Labcorp Genetics (formerly Invitae), Labcorp
Classification: Uncertain significance for Hereditary nonpolyposis colorectal neoplasms. Last evaluated: 2026-01-31. Review status: criteria provided, single submitter. Criteria: Invitae Variant Classification Sherloc (09022015). Collection method: clinical testing. Allele origin: germline.
Comment: This sequence change replaces asparagine, which is neutral and polar, with lysine, which is basic and polar, at codon 1229 of the MSH6 protein (p.Asn1229Lys). This variant is not present in population databases (gnomAD no frequency). This variant has not been reported in the literature in individuals affected with MSH6-related conditions. ClinVar contains an entry for this variant (Variation ID: 1387144). Invitae Evidence Modeling of protein sequence and biophysical properties (such as structural, functional, and spatial information, amino acid conservation, physicochemical variation, residue mobility, and thermodynamic stability) indicates that this missense variant is not expected to disrupt MSH6 protein function with a negative predictive value of 95%. In summary, the available evidence is currently insufficient to determine the role of this variant in disease. Therefore, it has been classified as a Variant of Uncertain Significance.

Ambry Genetics
Classification: Uncertain significance for Hereditary cancer-predisposing syndrome. Last evaluated: 2020-03-09. Review status: criteria provided, single submitter. Criteria: Ambry Variant Classification Scheme 2023. Collection method: clinical testing. Allele origin: germline.
Comment: The p.N1229K variant (also known as c.3687T>A), located in coding exon 8 of the MSH6 gene, results from a T to A substitution at nucleotide position 3687. The asparagine at codon 1229 is replaced by lysine, an amino acid with similar properties. This amino acid position is not well conserved in available vertebrate species. In addition, this alteration is predicted to be tolerated by in silico analysis. Since supporting evidence is limited at this time, the clinical significance of this alteration remains unclear.

NM_000179.3(MSH6):c.3687T>A (p.Asn1229Lys)

Gene: MSH6 (mutS homolog 6; plus strand). Cytogenetic location: 2p16.3.
Variant type: single nucleotide variant.
Coding change: c.3687T>A on transcript NM_000179.3 (MANE Select); coding-DNA position 3687, T replaced by A.
Protein change: p.Asn1229Lys; replaces asparagine 1229 with lysine.
Molecular consequence: missense variant.
Genome position (GRCh38, 1-based): chr2:47,806,244, T>A. VCF-style: chr2-47806244-T-A. GRCh37 (hg19) VCF-style: chr2-48033383-T-A.
Other names: c.3297T>A, p.Asn1099Lys (NM_001281492.2); c.2781T>A, p.Asn927Lys (NM_001281493.2, NM_001281494.2); short protein forms N1229K, N927K, N1099K.
Identifiers: ClinVar variation 1387144 (VCV001387144.10), dbSNP rs2104538967, ClinGen allele CA346760931.